The following is an entry in ClinVar:

NM_001267550.2(TTN):c.30223+5G>C

Gene: TTN (titin; minus strand). Cytogenetic location: 2q31.2.
Variant type: single nucleotide variant.
Coding change: c.30223+5G>C on transcript NM_001267550.2 (MANE Select); 5 bases into the intron after coding-DNA position 30223, G replaced by C.
Molecular consequence: intron variant.
Genome position (GRCh38, 1-based): chr2:178,704,142, C>G on the plus strand (G>C on the coding strand, the complement: TTN is on the minus strand). VCF-style: chr2-178704142-C-G. GRCh37 (hg19) VCF-style: chr2-179568869-C-G.
Other names: c.13282+33940G>C (NM_003319.4); c.13858+33940G>C (NM_133437.4); c.13657+33940G>C (NM_133432.3); c.26491+5G>C (NM_133378.4); c.29272+5G>C (NM_001256850.1).
Identifiers: ClinVar variation 3747993 (VCV003747993.2).

ClinVar aggregate classification (germline): Uncertain significance (1 of 4 stars; one submission).

Conditions:
Dilated cardiomyopathy 1G (CMD1G). Identifiers: Orphanet 154, MedGen C1858763, MONDO:0011400, OMIM 604145.
Autosomal recessive limb-girdle muscular dystrophy type 2J (LGMDR10). Also called: Limb-girdle muscular dystrophy, type 2J; MUSCULAR DYSTROPHY, LIMB-GIRDLE, AUTOSOMAL RECESSIVE 10. Identifiers: Orphanet 140922, MedGen C1837342, MONDO:0012127, OMIM 608807.

gnomAD v4.1: 2 of 1,613,096 alleles (0.00012%); highest among the groups gnomAD compares: South Asian, 0.0022%; no homozygotes.

Submission:

Labcorp Genetics (formerly Invitae), Labcorp
Classification: Uncertain significance for Dilated cardiomyopathy 1G; Autosomal recessive limb-girdle muscular dystrophy type 2J. Last evaluated: 2026-01-19. Review status: criteria provided, single submitter. Criteria: Invitae Variant Classification Sherloc (09022015). Collection method: clinical testing. Allele origin: germline.
Comment: This sequence change falls in intron 106 of the TTN gene. It does not directly change the encoded amino acid sequence of the TTN protein. It affects a nucleotide within the consensus splice site. This variant is present in population databases (rs368199297, gnomAD 0.003%). This variant has not been reported in the literature in individuals affected with TTN-related conditions. ClinVar contains an entry for this variant (Variation ID: 3747993). Variants that disrupt the consensus splice site are a relatively common cause of aberrant splicing (PMID: 17576681, 9536098). Algorithms developed to predict the effect of sequence changes on RNA splicing suggest that this variant may disrupt the consensus splice site. This variant is located in the I band of TTN (PMID: 25589632). Non-truncating variants in this region may be clinically relevant, but have not been definitively shown to cause cardiomyopathy or neuromuscular disease (PMID: 27493940, 32778822). In summary, the available evidence is currently insufficient to determine the role of this variant in disease. Therefore, it has been classified as a Variant of Uncertain Significance.

Literature cited by the submitters: PubMed 17576681; PubMed 9536098; PubMed 25589632; PubMed 27493940; PubMed 32778822.